The following is an entry in ClinVar:

ClinVar aggregate classification (germline): Uncertain significance (1 of 4 stars; one submission).

Conditions:
Hereditary cancer-predisposing syndrome. Also called: Hereditary Cancer Syndrome; Neoplastic Syndromes, Hereditary; Tumor predisposition; Hereditary neoplastic syndrome. Identifiers: Orphanet 140162, MedGen C0027672, MeSH D009386, MONDO:0015356.

Submission:

Ambry Genetics
Classification: Uncertain significance for Hereditary cancer-predisposing syndrome. Last evaluated: 2026-08-12. Review status: criteria provided, single submitter. Criteria: Ambry Variant Classification Scheme 2023. Collection method: clinical testing. Allele origin: germline.
Comment: The p.S232R variant (also known as c.696T>G), located in coding exon 5 of the DICER1 gene, results from a T to G substitution at nucleotide position 696. The serine at codon 232 is replaced by arginine, an amino acid with dissimilar properties. This amino acid position is conserved. In addition, this alteration is predicted to be deleterious by in silico analysis. Based on the available evidence, the clinical significance of this variant remains unclear.

NM_177438.3(DICER1):c.696T>G (p.Ser232Arg)

Gene: DICER1 (dicer 1, ribonuclease III; minus strand). Cytogenetic location: 14q32.13.
Variant type: single nucleotide variant.
Coding change: c.696T>G on transcript NM_177438.3 (MANE Select); coding-DNA position 696, T replaced by G.
Protein change: p.Ser232Arg; replaces serine 232 with arginine.
Molecular consequence: missense variant. On other transcripts: 5 prime UTR variant (1), non-coding transcript variant (6).
Genome position (GRCh38, 1-based): chr14:95,129,510, A>C on the plus strand (T>G on the coding strand, the complement: DICER1 is on the minus strand). VCF-style: chr14-95129510-A-C. GRCh37 (hg19) VCF-style: chr14-95595847-A-C.
Other names: c.291T>G, p.Ser97Arg (NM_001395687.1, NM_001395688.1, NM_001395689.1 and 3 more transcripts); c.129T>G, p.Ser43Arg (NM_001395691.1); c.696T>G, p.Ser232Arg (NM_001395692.1, NM_001395693.1, NM_001395694.1 and 14 more transcripts); c.414T>G, p.Ser138Arg (NM_001395686.1); c.-873T>G (NM_001395697.1); short protein forms S232R, S97R, S138R, S43R.
Identifiers: ClinVar variation 5035314 (VCV005035314.1).